The following is an entry in ClinVar:

ClinVar aggregate classification (germline): Conflicting classifications of pathogenicity. Review status: criteria provided, conflicting classifications (1 of 4 stars). 3 submissions from 3 submitters: Uncertain significance (2); Likely benign (1). Last evaluated 2026-09-11.

Conditions:
Hereditary cancer-predisposing syndrome. Also called: Hereditary Cancer Syndrome; Hereditary neoplastic syndrome; Neoplastic Syndromes, Hereditary; Tumor predisposition. Identifiers: Orphanet 140162, MedGen C0027672, MeSH D009386, MONDO:0015356.
Melanoma, cutaneous malignant, susceptibility to, 1 (CMM1). Also called: DYSPLASTIC NEVUS SYNDROME, HEREDITARY; FAMILIAL ATYPICAL MOLE-MALIGNANT MELANOMA SYNDROME; MELANOMA, MALIGNANT; B-K MOLE SYNDROME. Identifiers: Orphanet 618, MedGen C1835047, MONDO:0007963, OMIM 155600.
Peutz-Jeghers syndrome (PJS). Also called: POLYPOSIS, HAMARTOMATOUS INTESTINAL; POLYPS-AND-SPOTS SYNDROME; Peutz-Jeghers polyposis; Periorificial lentiginosis syndrome. Identifiers: Orphanet 2869, MedGen C0031269, MeSH D010580, MONDO:0008280, OMIM 175200.

Submissions (3):

Ambry Genetics
Classification: Likely benign for Hereditary cancer-predisposing syndrome. Last evaluated: 2026-09-11. Review status: criteria provided, single submitter. Criteria: Ambry Variant Classification Scheme 2023. Collection method: clinical testing. Allele origin: germline.

Labcorp Genetics (formerly Invitae), Labcorp
Classification: Uncertain significance for Peutz-Jeghers syndrome. Last evaluated: 2024-06-15. Review status: criteria provided, single submitter. Criteria: Invitae Variant Classification Sherloc (09022015). Collection method: clinical testing. Allele origin: germline.
Comment: This sequence change replaces isoleucine, which is neutral and non-polar, with threonine, which is neutral and polar, at codon 356 of the STK11 protein (p.Ile356Thr). This variant is not present in population databases (gnomAD no frequency). This variant has not been reported in the literature in individuals affected with STK11-related conditions. ClinVar contains an entry for this variant (Variation ID: 1782295). Advanced modeling of protein sequence and biophysical properties (such as structural, functional, and spatial information, amino acid conservation, physicochemical variation, residue mobility, and thermodynamic stability) performed at Invitae indicates that this missense variant is not expected to disrupt STK11 protein function with a negative predictive value of 95%. In summary, the available evidence is currently insufficient to determine the role of this variant in disease. Therefore, it has been classified as a Variant of Uncertain Significance.

Baylor Genetics
Classification: Uncertain significance for Melanoma, cutaneous malignant, susceptibility to, 1. Last evaluated: 2023-10-19. Review status: criteria provided, single submitter. Criteria: ACMG Guidelines, 2015. Collection method: clinical testing. Allele origin: unknown.

NM_000455.5(STK11):c.1067T>C (p.Ile356Thr)

Genes: STK11 (serine/threonine kinase 11; plus strand), LOC130062899 (ATAC-STARR-seq lymphoblastoid active region 13597; plus strand). Cytogenetic location: 19p13.3.
Variant type: single nucleotide variant.
Coding change: c.1067T>C on transcript NM_000455.5 (MANE Select); coding-DNA position 1067, T replaced by C.
Protein change: p.Ile356Thr; replaces isoleucine 356 with threonine.
Molecular consequence: missense variant.
Genome position (GRCh38, 1-based): chr19:1,223,131, T>C. VCF-style: chr19-1223131-T-C. GRCh37 (hg19) VCF-style: chr19-1223130-T-C.
Other names: c.1067T>C, p.Ile356Thr (NM_001407255.1); short protein forms I356T.
Identifiers: ClinVar variation 1782295 (VCV001782295.7), dbSNP rs2145431316, ClinGen allele CA402951863.